The following is an entry in ClinVar:

NM_004793.4(LONP1):c.310G>C (p.Gly104Arg)

Genes: LONP1 (lon peptidase 1, mitochondrial; minus strand), LOC130063270 (ATAC-STARR-seq lymphoblastoid silent region 9931; plus strand). Cytogenetic location: 19p13.3.
Variant type: single nucleotide variant.
Coding change: c.310G>C on transcript NM_004793.4 (MANE Select); coding-DNA position 310, G replaced by C.
Protein change: p.Gly104Arg; replaces glycine 104 with arginine.
Molecular consequence: missense variant. On other transcripts: non-coding transcript variant (1), intron variant (2).
Genome position (GRCh38, 1-based): chr19:5,719,823, C>G on the plus strand (G>C on the coding strand, the complement: LONP1 is on the minus strand). VCF-style: chr19-5719823-C-G. GRCh37 (hg19) VCF-style: chr19-5719834-C-G.
Other names: c.-160+396G>C (NM_001276480.1); c.125-7G>C (NM_001276479.2); short protein forms G104R.
Identifiers: ClinVar variation 1320530 (VCV001320530.4), dbSNP rs750279642, ClinGen allele CA9115182.

ClinVar aggregate classification (germline): Conflicting classifications of pathogenicity. Review status: criteria provided, conflicting classifications (1 of 4 stars). 2 submissions from 2 submitters: Uncertain significance (1); Likely benign (1). Last evaluated 2025-12-30.

Allele frequency attached by ClinVar (database versions not stated): gnomAD exomes 0.00002; ExAC 0.00005.
gnomAD v4.1: 43 of 1,610,620 alleles (0.0027%); highest among the groups gnomAD compares: South Asian, 0.0055%; 1 homozygote.

Submissions (2):

GeneDx
Classification: Uncertain significance. Last evaluated: 2025-12-30. Review status: criteria provided, single submitter. Criteria: GeneDx Variant Classification Process June 2021. Collection method: clinical testing. Allele origin: germline. Affected: yes.
Comment: In silico analysis suggests that this missense variant does not alter protein structure/function; Has not been previously published as pathogenic or benign to our knowledge

Labcorp Genetics (formerly Invitae), Labcorp
Classification: Likely benign. Last evaluated: 2025-04-14. Review status: criteria provided, single submitter. Criteria: Invitae Variant Classification Sherloc (09022015). Collection method: clinical testing. Allele origin: germline.